The following is an entry in ClinVar:

NM_006767.4(LZTR1):c.329C>T (p.Thr110Ile)

Gene: LZTR1 (leucine zipper like post translational regulator 1; plus strand). Cytogenetic location: 22q11.21.
Variant type: single nucleotide variant.
Coding change: c.329C>T on transcript NM_006767.4 (MANE Select); coding-DNA position 329, C replaced by T.
Protein change: p.Thr110Ile; replaces threonine 110 with isoleucine.
Molecular consequence: missense variant.
Genome position (GRCh38, 1-based): chr22:20,987,512, C>T. VCF-style: chr22-20987512-C-T. GRCh37 (hg19) VCF-style: chr22-21341801-C-T.
Other names: short protein forms T110I.
Identifiers: ClinVar variation 1729927 (VCV001729927.5), dbSNP rs1285251731, ClinGen allele CA410779248.
Genomic context (GRCh38, chr22:20,987,512, plus strand): 5'-GGACCTCATGGGTGACCCCCGCTGACTCTCACCACCCCTGTGCCCACCCCAGGGCCTTTA[C>T]CACTGGGACCCCACCGGCCCCCCGTTACCACCACTCGGCCGTCGTCTATGGGAGCAGCAT-3'
Protein context (NP_006758.2, residues 100-120): VKDCSWCRAF[Thr110Ile]TGTPPAPRYH

ClinVar aggregate classification (germline): Uncertain significance. Review status: criteria provided, multiple submitters, no conflicts (2 of 4 stars). 2 submissions from 2 submitters: Uncertain significance (2). Last evaluated 2026-01-20.

Conditions:
Hereditary cancer-predisposing syndrome. Also called: Neoplastic Syndromes, Hereditary; Tumor predisposition; Hereditary Cancer Syndrome; Hereditary neoplastic syndrome. Identifiers: Orphanet 140162, MedGen C0027672, MeSH D009386, MONDO:0015356.
Cardiovascular phenotype. Identifiers: MedGen CN230736.

Allele frequency attached by ClinVar (database versions not stated): gnomAD exomes below 0.00001; gnomAD 0.00001.
gnomAD v4.1: 4 of 1,612,740 alleles (0.00025%); highest among the groups gnomAD compares: Non-Finnish European, 0.00034%; no homozygotes.

Submissions (2):

Labcorp Genetics (formerly Invitae), Labcorp
Classification: Uncertain significance. Last evaluated: 2026-01-20. Review status: criteria provided, single submitter. Criteria: Invitae Variant Classification Sherloc (09022015). Collection method: clinical testing. Allele origin: germline.
Comment: This sequence change replaces threonine, which is neutral and polar, with isoleucine, which is neutral and non-polar, at codon 110 of the LZTR1 protein (p.Thr110Ile). This variant is present in population databases (no rsID available, gnomAD 0.0009%). This variant has not been reported in the literature in individuals affected with LZTR1-related conditions. ClinVar contains an entry for this variant (Variation ID: 1729927). Invitae Evidence Modeling of protein sequence and biophysical properties (such as structural, functional, and spatial information, amino acid conservation, physicochemical variation, residue mobility, and thermodynamic stability) indicates that this missense variant is not expected to disrupt LZTR1 protein function with a negative predictive value of 80%. In summary, the available evidence is currently insufficient to determine the role of this variant in disease. Therefore, it has been classified as a Variant of Uncertain Significance.

Ambry Genetics
Classification: Uncertain significance for Cardiovascular phenotype; Hereditary cancer-predisposing syndrome. Last evaluated: 2021-12-29. Review status: criteria provided, single submitter. Criteria: Ambry Variant Classification Scheme 2023. Collection method: clinical testing. Allele origin: germline.
Comment: The p.T110I variant (also known as c.329C>T), located in coding exon 4 of the LZTR1 gene, results from a C to T substitution at nucleotide position 329. The threonine at codon 110 is replaced by isoleucine, an amino acid with similar properties. This amino acid position is highly conserved in available vertebrate species. In addition, the in silico prediction for this alteration is inconclusive. Since supporting evidence is limited at this time, the clinical significance of this alteration remains unclear.